The following is an entry in ClinVar:

ClinVar aggregate classification (germline): Benign. Review status: criteria provided, multiple submitters, no conflicts (2 of 4 stars). 4 submissions from 4 submitters: Benign (4). Last evaluated 2026-02-03.

Allele frequency attached by ClinVar (database versions not stated): gnomAD exomes 0.17163 and 0.18577; ExAC 0.23455; TOPMed 0.12937; gnomAD 0.12968 and 0.13982; 1000 Genomes Project 0.19629; 1000 Genomes Project 30x 0.18957.
gnomAD v4.1: 261,656 of 1,550,866 alleles (17%); highest among the groups gnomAD compares: East Asian, 34%; 25,083 homozygotes.

Submissions (4):

Labcorp Genetics (formerly Invitae), Labcorp
Classification: Benign. Last evaluated: 2026-02-03. Review status: criteria provided, single submitter. Criteria: Invitae Variant Classification Sherloc (09022015). Collection method: clinical testing. Allele origin: germline.

Mayo Clinic Laboratories, Mayo Clinic
Classification: Benign. Last evaluated: 2020-12-07. Review status: criteria provided, single submitter. Criteria: ACMG Guidelines, 2015. Collection method: clinical testing. Allele origin: germline. Observed: 48 variant alleles.

Laboratory for Molecular Medicine, Mass General Brigham Personalized Medicine
Classification: Benign. Last evaluated: 2017-08-23. Review status: criteria provided, single submitter. Criteria: LMM Criteria. Collection method: clinical testing. Allele origin: germline. Observed: 80 variant alleles.
Comment: p.Glu174Glu in exon 1 of CLIC5: This variant is not expected to have clinical si gnificance because it does not alter an amino acid residue, is not located withi n the splice consensus sequence, and has been identified in 34.27% (2608/7610) o f South Asian chromosomes by the Exome Aggregation Consortium (ExAC .; dbSNP rs3734207).

GeneDx
Classification: Benign. Last evaluated: 2017-05-09. Review status: criteria provided, single submitter. Criteria: GeneDx Variant Classification (06012015). Collection method: clinical testing. Allele origin: germline. Affected: yes.
Comment: This variant is considered likely benign or benign based on one or more of the following criteria: it is a conservative change, it occurs at a poorly conserved position in the protein, it is predicted to be benign by multiple in silico algorithms, and/or has population frequency not consistent with disease.

NM_001114086.2(CLIC5):c.522G>A (p.Glu174=)

Gene: CLIC5 (CLIC family member 5; minus strand). Cytogenetic location: 6p21.1.
Variant type: single nucleotide variant.
Coding change: c.522G>A on transcript NM_001114086.2; coding-DNA position 522, G replaced by A.
Protein change: p.Glu174=; no amino-acid change (glutamic acid 174 retained).
Molecular consequence: synonymous variant. On other transcripts: intron variant (1).
Genome position (GRCh38, 1-based): chr6:46,079,721, C>T on the plus strand (G>A on the coding strand, the complement: CLIC5 is on the minus strand). VCF-style: chr6-46079721-C-T. GRCh37 (hg19) VCF-style: chr6-46047458-C-T.
Other names: p.Glu174=; c.522G>A, p.Glu174= (NM_001370650.1); c.-55+49783G>A (NM_001370649.1).
Identifiers: ClinVar variation 508561 (VCV000508561.13), dbSNP rs3734207, ClinGen allele CA3836968.